The following is an entry in ClinVar:

ClinVar aggregate classification (germline): Uncertain significance (1 of 4 stars; one submission).

Allele frequency attached by ClinVar (database versions not stated): gnomAD exomes below 0.00001; gnomAD 0.00001; TOPMed 0.00001.
gnomAD v4.1: 4 of 1,613,646 alleles (0.00025%); highest among the groups gnomAD compares: Admixed American, 0.0017%; no homozygotes.

Submission:

Labcorp Genetics (formerly Invitae), Labcorp
Classification: Uncertain significance. Last evaluated: 2019-11-26. Review status: criteria provided, single submitter. Criteria: Invitae Variant Classification Sherloc (09022015). Collection method: clinical testing. Allele origin: germline.
Comment: Algorithms developed to predict the effect of missense changes on protein structure and function (SIFT, PolyPhen-2, Align-GVGD) all suggest that this variant is likely to be tolerated, but these predictions have not been confirmed by published functional studies and their clinical significance is uncertain. This variant has not been reported in the literature in individuals with IMPG2-related conditions. This variant is not present in population databases (ExAC no frequency). This sequence change replaces serine with glycine at codon 1144 of the IMPG2 protein (p.Ser1144Gly). The serine residue is weakly conserved and there is a small physicochemical difference between serine and glycine. In summary, the available evidence is currently insufficient to determine the role of this variant in disease. Therefore, it has been classified as a Variant of Uncertain Significance.

NM_016247.4(IMPG2):c.3430A>G (p.Ser1144Gly)

Gene: IMPG2 (interphotoreceptor matrix proteoglycan 2; minus strand). Cytogenetic location: 3q12.3.
Variant type: single nucleotide variant.
Coding change: c.3430A>G on transcript NM_016247.4 (MANE Select); coding-DNA position 3430, A replaced by G.
Protein change: p.Ser1144Gly; replaces serine 1144 with glycine.
Molecular consequence: missense variant.
Genome position (GRCh38, 1-based): chr3:101,229,583, T>C on the plus strand (A>G on the coding strand, the complement: IMPG2 is on the minus strand). VCF-style: chr3-101229583-T-C. GRCh37 (hg19) VCF-style: chr3-100948427-T-C.
Other names: short protein forms S1144G.
Identifiers: ClinVar variation 840348 (VCV000840348.9), dbSNP rs1706263272, ClinGen allele CA353848064.